The following is an entry in ClinVar:

NM_006531.5(IFT88):c.1593A>G (p.Leu531=)

Gene: IFT88 (intraflagellar transport 88; plus strand). Cytogenetic location: 13q12.11.
Variant type: single nucleotide variant.
Coding change: c.1593A>G on transcript NM_006531.5 (MANE Select); coding-DNA position 1593, A replaced by G.
Protein change: p.Leu531=; no amino-acid change (leucine 531 retained).
Molecular consequence: synonymous variant. On other transcripts: non-coding transcript variant (4).
Genome position (GRCh38, 1-based): chr13:20,641,309, A>G. VCF-style: chr13-20641309-A-G. GRCh37 (hg19) VCF-style: chr13-21215448-A-G.
Other names: c.1620A>G, p.Leu540= (NM_001318493.2, NM_001353565.2, NM_001353566.2 and 2 more transcripts); c.1449A>G, p.Leu483= (NM_001353573.2); c.1434A>G, p.Leu478= (NM_001353574.2); c.1536A>G, p.Leu512= (NM_001353575.2, NM_001318491.2); c.1518A>G, p.Leu506= (NM_001353576.2, NM_001353577.2, NM_001353570.2 and 1 more transcripts); c.1491A>G, p.Leu497= (NM_001353578.2, NM_001353571.2); c.960A>G, p.Leu320= (NM_001353579.2); c.1593A>G, p.Leu531= (NM_001353572.2, NM_001353568.2); and 1 more.
Identifiers: ClinVar variation 1935210 (VCV001935210.7), dbSNP rs777978633, ClinGen allele CA6905469.
Genomic context (GRCh38, chr13:20,641,309, plus strand): 5'-ATGATACTTATAGATTTTCTTTTTTTTCTTCTTTTTTTAAGGCCTTACCTATGAGAAACT[A>G]AATCGGCTAGATGAGGCTTTGGACTGTTTCCTGAAACTTCACGCAATCCTACGAAACAGT-3'
Protein context (NP_006522.2, residues 521-541): LYNIGLTYEK[Leu531=]NRLDEALDCF

ClinVar aggregate classification (germline): Likely benign. Review status: criteria provided, single submitter (1 of 4 stars). 2 submissions from 2 submitters: Likely benign (1). 1 of the submissions does not count toward it. Last evaluated 2022-04-06.

Conditions:
IFT88-related disorder. Also called: IFT88-related condition.

Allele frequency attached by ClinVar (database versions not stated): gnomAD exomes below 0.00001; gnomAD 0.00001; ExAC 0.00002.
gnomAD v4.1: 4 of 1,609,274 alleles (0.00025%); highest among the groups gnomAD compares: Admixed American, 0.0033%; no homozygotes.

Submissions (2):

Labcorp Genetics (formerly Invitae), Labcorp
Classification: Likely benign. Last evaluated: 2022-04-06. Review status: criteria provided, single submitter. Criteria: Invitae Variant Classification Sherloc (09022015). Collection method: clinical testing. Allele origin: germline.

PreventionGenetics, part of Exact Sciences
Classification: Likely benign for IFT88-related condition. Last evaluated: 2019-07-16. Review status: no assertion criteria provided. Collection method: clinical testing. Allele origin: germline. Not counted in ClinVar's aggregate classification.
Comment: This variant is classified as likely benign based on ACMG/AMP sequence variant interpretation guidelines (Richards et al. 2015 PMID: 25741868, with internal and published modifications).